The following is an entry in ClinVar:

ClinVar aggregate classification (germline): Uncertain significance. Review status: criteria provided, multiple submitters, no conflicts (2 of 4 stars). 2 submissions from 2 submitters: Uncertain significance (2). Last evaluated 2026-01-12.

Conditions:
RP1L1-related disorder. Also called: RP1L1-related condition.

gnomAD v4.1: 27 of 1,612,050 alleles (0.0017%); highest among the groups gnomAD compares: Middle Eastern, 0.099%; no homozygotes.

Submissions (2):

PreventionGenetics, part of Exact Sciences
Classification: Uncertain significance for RP1L1-related condition. Last evaluated: 2026-01-12. Review status: criteria provided, single submitter. Criteria: ACMG Guidelines, 2015. Collection method: clinical testing. Allele origin: germline.
Comment: The RP1L1 c.2758C>T variant is predicted to result in the amino acid substitution p.Arg920Trp. To our knowledge, this variant has not been reported in the literature. This variant is reported in 0.0065% of alleles in individuals of South Asian descent in gnomAD. At this time, the clinical significance of this variant is uncertain due to the absence of conclusive functional and genetic evidence.

CeGaT Center for Human Genetics Tuebingen
Classification: Uncertain significance. Last evaluated: 2025-11-01. Review status: criteria provided, single submitter. Criteria: CeGaT Center For Human Genetics Tuebingen Variant Classification Criteria Version 2. Collection method: clinical testing. Allele origin: germline. Affected: yes. Observed: 1 variant allele.
Comment: RP1L1: PM2, PM3:Supporting, BP4

NM_178857.6(RP1L1):c.2758C>T (p.Arg920Trp)

Gene: RP1L1 (RP1 like 1). Cytogenetic location: 8p23.1.
Variant type: single nucleotide variant.
Coding change: c.2758C>T on transcript NM_178857.6 (MANE Select); coding-DNA position 2758, C replaced by T.
Protein change: p.Arg920Trp; replaces arginine 920 with tryptophan.
Molecular consequence: missense variant.
Genome position (GRCh38, 1-based): chr8:10,611,340, G>A on the plus strand (C>T on the coding strand, the complement: RP1L1 is on the minus strand). VCF-style: chr8-10611340-G-A. GRCh37 (hg19) VCF-style: chr8-10468850-G-A.
Other names: c.2758C>T (NM_178857.5); short protein forms R920W.
Identifiers: ClinVar variation 4534246 (VCV004534246.7).